The following is an entry in ClinVar:

ClinVar aggregate classification (germline): Conflicting classifications of pathogenicity. Review status: criteria provided, conflicting classifications (1 of 4 stars). 2 submissions from 2 submitters: Uncertain significance (1); Likely benign (1). Last evaluated 2026-05-29.

Conditions:
PKHD1L1-related disorder. Also called: PKHD1L1-related condition.

Allele frequency attached by ClinVar (database versions not stated): gnomAD exomes 0.00006; ExAC 0.00012; ESP Exome Variant Server 0.00050; gnomAD 0.00053; TOPMed 0.00066.
gnomAD v4.1: 163 of 1,610,424 alleles (0.01%); highest among the groups gnomAD compares: African/African-American, 0.21%; 1 homozygote.

Submissions (2):

PreventionGenetics, part of Exact Sciences
Classification: Likely benign for PKHD1L1-related condition. Last evaluated: 2026-05-29. Review status: criteria provided, single submitter. Criteria: ACMG Guidelines, 2015. Collection method: clinical testing. Allele origin: germline.
Comment: This variant is classified as likely benign based on ACMG/AMP sequence variant interpretation guidelines (Richards et al. 2015 PMID: 25741868, with internal and published modifications).

Ambry Genetics
Classification: Uncertain significance. Last evaluated: 2021-10-06. Review status: criteria provided, single submitter. Criteria: Ambry Variant Classification Scheme 2023. Collection method: clinical testing. Allele origin: germline.

NM_177531.6(PKHD1L1):c.2620A>G (p.Thr874Ala)

Gene: PKHD1L1 (PKHD1 like 1; plus strand). Cytogenetic location: 8q23.1.
Variant type: single nucleotide variant.
Coding change: c.2620A>G on transcript NM_177531.6 (MANE Select); coding-DNA position 2620, A replaced by G.
Protein change: p.Thr874Ala; replaces threonine 874 with alanine.
Molecular consequence: missense variant.
Genome position (GRCh38, 1-based): chr8:109,420,613, A>G. VCF-style: chr8-109420613-A-G. GRCh37 (hg19) VCF-style: chr8-110432842-A-G.
Other names: short protein forms T874A.
Identifiers: ClinVar variation 2347928 (VCV002347928.3), dbSNP rs200497063, ClinGen allele CA4844459.